The following is an entry in ClinVar:

ClinVar aggregate classification (germline): Uncertain significance. Review status: criteria provided, multiple submitters, no conflicts (2 of 4 stars). 2 submissions from 2 submitters: Uncertain significance (2). Last evaluated 2024-05-24.

Conditions:
Hereditary cancer-predisposing syndrome. Also called: Tumor predisposition; Neoplastic Syndromes, Hereditary; Hereditary Cancer Syndrome; Hereditary neoplastic syndrome. Identifiers: Orphanet 140162, MedGen C0027672, MeSH D009386, MONDO:0015356.

Submissions (2):

Ambry Genetics
Classification: Uncertain significance for Hereditary cancer-predisposing syndrome. Last evaluated: 2024-05-24. Review status: criteria provided, single submitter. Criteria: Ambry Variant Classification Scheme 2023. Collection method: clinical testing. Allele origin: germline.
Comment: The p.E1855A variant (also known as c.5564A>C), located in coding exon 41 of the POLE gene, results from an A to C substitution at nucleotide position 5564. The glutamic acid at codon 1855 is replaced by alanine, an amino acid with dissimilar properties. This amino acid position is conserved. In addition, this alteration is predicted to be deleterious by in silico analysis. Based on the available evidence, the clinical significance of this variant remains unclear.

Labcorp Genetics (formerly Invitae), Labcorp
Classification: Uncertain significance. Last evaluated: 2022-06-26. Review status: criteria provided, single submitter. Criteria: Invitae Variant Classification Sherloc (09022015). Collection method: clinical testing. Allele origin: germline.
Comment: In summary, the available evidence is currently insufficient to determine the role of this variant in disease. Therefore, it has been classified as a Variant of Uncertain Significance. Algorithms developed to predict the effect of missense changes on protein structure and function (SIFT, PolyPhen-2, Align-GVGD) all suggest that this variant is likely to be disruptive. This variant has not been reported in the literature in individuals affected with POLE-related conditions. This variant is not present in population databases (gnomAD no frequency). This sequence change replaces glutamic acid, which is acidic and polar, with alanine, which is neutral and non-polar, at codon 1855 of the POLE protein (p.Glu1855Ala).

NM_006231.4(POLE):c.5564A>C (p.Glu1855Ala)

Gene: POLE (DNA polymerase epsilon, catalytic subunit; minus strand). Cytogenetic location: 12q24.33.
Variant type: single nucleotide variant.
Coding change: c.5564A>C on transcript NM_006231.4 (MANE Select); coding-DNA position 5564, A replaced by C.
Protein change: p.Glu1855Ala; replaces glutamic acid 1855 with alanine.
Molecular consequence: missense variant.
Genome position (GRCh38, 1-based): chr12:132,638,128, T>G on the plus strand (A>C on the coding strand, the complement: POLE is on the minus strand). VCF-style: chr12-132638128-T-G. GRCh37 (hg19) VCF-style: chr12-133214714-T-G.
Other names: c.5564A>C (NM_006231.2); short protein forms E1855A.
Identifiers: ClinVar variation 2010744 (VCV002010744.5), dbSNP rs2138502442, ClinGen allele CA387374198.